The following is an entry in ClinVar:

NM_030962.4(SBF2):c.2165G>A (p.Arg722His)

Genes: SBF2 (SET binding factor 2; minus strand), LOC101928008 (uncharacterized LOC101928008; plus strand). Cytogenetic location: 11p15.4.
Variant type: single nucleotide variant.
Coding change: c.2165G>A on transcript NM_030962.4 (MANE Select); coding-DNA position 2165, G replaced by A.
Protein change: p.Arg722His; replaces arginine 722 with histidine.
Molecular consequence: missense variant.
Genome position (GRCh38, 1-based): chr11:9,856,656, C>T on the plus strand (G>A on the coding strand, the complement: SBF2 is on the minus strand). VCF-style: chr11-9856656-C-T. GRCh37 (hg19) VCF-style: chr11-9878203-C-T.
Other names: c.2165G>A, p.Arg722His (NM_001386339.1); c.2036G>A, p.Arg679His (NM_001386342.1); short protein forms R679H, R722H.
Identifiers: ClinVar variation 1494886 (VCV001494886.8), dbSNP rs768079951, ClinGen allele CA5881616.

ClinVar aggregate classification (germline): Uncertain significance (1 of 4 stars; one submission).

Conditions:
Charcot-Marie-Tooth disease type 4. Also called: Charcot-Marie-Tooth disease, type IV; Charcot-Marie-Tooth, Type 4. Identifiers: Orphanet 64749, MedGen C4082197, MONDO:0018995.

Allele frequency attached by ClinVar (database versions not stated): ExAC 0.00001; gnomAD 0.00001; gnomAD exomes 0.00001; TOPMed 0.00001.
gnomAD v4.1: 10 of 1,613,988 alleles (0.00062%); highest among the groups gnomAD compares: African/African-American, 0.0027%; no homozygotes.

Submission:

Labcorp Genetics (formerly Invitae), Labcorp
Classification: Uncertain significance for Charcot-Marie-Tooth disease type 4. Last evaluated: 2022-07-22. Review status: criteria provided, single submitter. Criteria: Invitae Variant Classification Sherloc (09022015). Collection method: clinical testing. Allele origin: germline.
Comment: In summary, the available evidence is currently insufficient to determine the role of this variant in disease. Therefore, it has been classified as a Variant of Uncertain Significance. Algorithms developed to predict the effect of missense changes on protein structure and function are either unavailable or do not agree on the potential impact of this missense change (SIFT: "Tolerated"; PolyPhen-2: "Possibly Damaging"; Align-GVGD: "Class C0"). ClinVar contains an entry for this variant (Variation ID: 1494886). This variant has not been reported in the literature in individuals affected with SBF2-related conditions. This variant is present in population databases (rs768079951, gnomAD 0.007%). This sequence change replaces arginine, which is basic and polar, with histidine, which is basic and polar, at codon 722 of the SBF2 protein (p.Arg722His).